The following is an entry in ClinVar:

NM_001267550.2(TTN):c.100397G>A (p.Arg33466His)

Genes: TTN (titin; minus strand), TTN-AS1 (TTN antisense RNA 1; plus strand). Cytogenetic location: 2q31.2.
Variant type: single nucleotide variant.
Coding change: c.100397G>A on transcript NM_001267550.2 (MANE Select); coding-DNA position 100397, G replaced by A.
Protein change: p.Arg33466His; replaces arginine 33466 with histidine.
Molecular consequence: missense variant.
Genome position (GRCh38, 1-based): chr2:178,536,350, C>T on the plus strand (G>A on the coding strand, the complement: TTN is on the minus strand). VCF-style: chr2-178536350-C-T. GRCh37 (hg19) VCF-style: chr2-179401077-C-T.
Other names: c.92693G>A, p.Arg30898His (NM_133378.4); c.95474G>A, p.Arg31825His (NM_001256850.1); c.73202G>A, p.Arg24401His (NM_003319.4); c.73577G>A, p.Arg24526His (NM_133432.3); c.73778G>A, p.Arg24593His (NM_133437.4); short protein forms R30898H, R33466H, R24401H, R24526H, R24593H, R31825H.
Identifiers: ClinVar variation 229558 (VCV000229558.25), dbSNP rs189626540, ClinGen allele CA1986033.

ClinVar aggregate classification (germline): Conflicting classifications of pathogenicity. Review status: criteria provided, conflicting classifications (1 of 4 stars). 11 submissions from 11 submitters: Uncertain significance (9); Likely benign (2). Last evaluated 2026-03-18.

Conditions:
TTN-related disorder. Also called: TTN-related disorders; TTN-related condition; TTN-related disease.
Cardiovascular phenotype. Identifiers: MedGen CN230736.
Dilated cardiomyopathy 1G (CMD1G). Identifiers: Orphanet 154, MedGen C1858763, MONDO:0011400, OMIM 604145.
Autosomal recessive limb-girdle muscular dystrophy type 2J (LGMDR10). Also called: Limb-girdle muscular dystrophy, type 2J; MUSCULAR DYSTROPHY, LIMB-GIRDLE, AUTOSOMAL RECESSIVE 10. Identifiers: Orphanet 140922, MedGen C1837342, MONDO:0012127, OMIM 608807.
Hypertrophic cardiomyopathy 9. Also called: Familial hypertrophic cardiomyopathy 9. Identifiers: MedGen C1861065, MONDO:0013412, OMIM 613765.

Allele frequency attached by ClinVar (database versions not stated): TOPMed 0.00007; 1000 Genomes Project 0.00060; 1000 Genomes Project 30x 0.00062.
gnomAD v4.1: 115 of 1,613,728 alleles (0.0071%); highest among the groups gnomAD compares: Admixed American, 0.055%; no homozygotes.

Submissions (11):

PreventionGenetics, part of Exact Sciences
Classification: Uncertain significance for TTN-related condition. Last evaluated: 2026-03-18. Review status: criteria provided, single submitter. Criteria: ACMG Guidelines, 2015. Collection method: clinical testing. Allele origin: germline.
Comment: The TTN c.100397G>A variant is predicted to result in the amino acid substitution p.Arg33466His. This variant was reported as a variant of uncertain significance in a pediatric patient with dilated cardiomyopathy (DCM) that also harbored additional variants in other DCM-related genes (Reported as NM_133378:c.92693G>A (p.Arg30898His); Supp. Table 2 Burstein et al. 2021. PubMed ID: 32746448). This variant is reported in 0.026% of alleles in individuals of Latino descent in gnomAD. At this time, the clinical significance of this variant is uncertain due to the absence of conclusive functional and genetic evidence.

Women's Health and Genetics/Laboratory Corporation of America, LabCorp
Classification: Likely benign. Last evaluated: 2025-04-02. Review status: criteria provided, single submitter. Criteria: LabCorp Variant Classification Summary - May 2015. Collection method: clinical testing. Allele origin: germline.
Comment: Variant summary: TTN c.92693G>A (p.Arg30898His) results in a non-conservative amino acid change in the encoded protein sequence. Five of five in-silico tools predict a damaging effect of the variant on protein function. The variant allele was found at a frequency of 7.1e-05 in 1613728 control chromosomes, predominantly at a frequency of 0.00055 within the Latino subpopulation in the gnomAD database. The observed variant frequency within Latino control individuals in the gnomAD database is approximately 1.41 fold of the estimated maximal expected allele frequency for a pathogenic variant in TTN causing Autosomal Recessive Titinopathy phenotype (0.00039). c.92693G>A has been reported in the literature in at-least one pediatric patient affected with cardiomyopathy, without strong evidence of causality (example: Burstein_2021). These report(s) do not provide unequivocal conclusions about association of the variant with Autosomal Recessive Titinopathy. To our knowledge, no experimental evidence demonstrating an impact on protein function has been reported. The following publication have been ascertained in the context of this evaluation (PMID: 32746448). ClinVar contains an entry for this variant (Variation ID: 229558). Based on the evidence outlined above, the variant was classified as likely benign.

Blueprint Genetics
Classification: Uncertain significance. Last evaluated: 2024-09-09. Review status: criteria provided, single submitter. Criteria: ACMG Guidelines, 2015. Collection method: clinical testing. Allele origin: germline.

Revvity Omics, Revvity
Classification: Uncertain significance. Last evaluated: 2023-10-29. Review status: criteria provided, single submitter. Criteria: ACMG Guidelines, 2015. Collection method: clinical testing. Allele origin: germline.

New York Genome Center
Classification: Uncertain significance for Hypertrophic cardiomyopathy 9; Dilated cardiomyopathy 1G. Last evaluated: 2023-06-09. Review status: criteria provided, single submitter. Criteria: NYGC Assertion Criteria 2020. Collection method: clinical testing. Allele origin: germline. Observed: 1 heterozygote.

GeneDx
Classification: Likely benign. Last evaluated: 2021-03-22. Review status: criteria provided, single submitter. Criteria: GeneDx Variant Classification Process June 2021. Collection method: clinical testing. Allele origin: germline. Affected: yes.
Comment: Missense variant in a gene in which most reported pathogenic variants are truncating/loss-of-function; In silico analysis supports that this missense variant does not alter protein structure/function; Has not been previously published as pathogenic or benign to our knowledge

Ambry Genetics
Classification: Uncertain significance for Cardiovascular phenotype. Last evaluated: 2020-01-02. Review status: criteria provided, single submitter. Criteria: Ambry Variant Classification Scheme 2023. Collection method: clinical testing. Allele origin: germline.
Comment: The p.R24401H variant (also known as c.73202G>A), located in coding exon 184 of the TTN gene, results from a G to A substitution at nucleotide position 73202. The arginine at codon 24401 is replaced by histidine, an amino acid with highly similar properties. This amino acid position is highly conserved in available vertebrate species. In addition, the in silico prediction for this alteration is inconclusive. Since supporting evidence is limited at this time, the clinical significance of this alteration remains unclear.

Athena Diagnostics
Classification: Uncertain significance. Last evaluated: 2019-07-09. Review status: criteria provided, single submitter. Criteria: Athena Diagnostics Criteria. Collection method: clinical testing. Allele origin: germline.

Eurofins Ntd Llc (ga)
Classification: Uncertain significance. Last evaluated: 2018-01-24. Review status: criteria provided, single submitter. Criteria: EGL Classification Definitions 2015. Collection method: clinical testing. Allele origin: germline. Observed: 2 variant alleles, 2 heterozygotes.

Labcorp Genetics (formerly Invitae), Labcorp
Classification: Uncertain significance for Dilated cardiomyopathy 1G; Autosomal recessive limb-girdle muscular dystrophy type 2J. Last evaluated: 2017-06-12. Review status: criteria provided, single submitter. Criteria: Invitae Variant Classification Sherloc (09022015). Collection method: clinical testing. Allele origin: germline.

Laboratory for Molecular Medicine, Mass General Brigham Personalized Medicine
Classification: Uncertain significance. Last evaluated: 2017-04-20. Review status: criteria provided, single submitter. Criteria: LMM Criteria. Collection method: clinical testing. Allele origin: germline. Observed: 3 variant alleles.
Comment: This variant has been reported in ClinVar (Variation ID: 229558 ) as of uncertain significance. Computational prediction tools and conservation analysis suggest that the variant may impact the protein, though this informatio n is not predictive enough to determine pathogenicity. In summary, the clinical significance of the p.Arg30898His variant is uncertain.

Literature cited by the submitters: PubMed 32746448 (cited by Women's Health and Genetics/Laboratory Corporation of America, LabCorp).